The following is an entry in ClinVar:

ClinVar aggregate classification (germline): Pathogenic/Likely pathogenic. Review status: criteria provided, multiple submitters, no conflicts (2 of 4 stars). 2 submissions from 2 submitters: Pathogenic (1); Likely pathogenic (1). Last evaluated 2024-03-13.

Conditions:
Autosomal recessive Alport syndrome (ATS2). Also called: Alport syndrome type 2; COL4A3-Related Nephropathy; COL4A4 Alport Syndrome and Thin Basement Membrane Nephropathy; ALPORT SYNDROME 2, AUTOSOMAL RECESSIVE. Identifiers: Orphanet 63, Orphanet 88919, MedGen C4746745, MONDO:0008762, OMIM 203780.
Hematuria, benign familial, 1 (BFH1). Also called: THIN MEMBRANE NEPHROPATHY. Identifiers: MedGen CN376803, MONDO:0007709, OMIM 141200.

Submissions (2):

Fulgent Genetics
Classification: Likely pathogenic for Hematuria, benign familial, 1; Autosomal recessive Alport syndrome. Last evaluated: 2024-03-13. Review status: criteria provided, single submitter. Criteria: ACMG Guidelines, 2015. Collection method: clinical testing. Allele origin: germline.

Labcorp Genetics (formerly Invitae), Labcorp
Classification: Pathogenic. Last evaluated: 2024-01-31. Review status: criteria provided, single submitter. Criteria: Invitae Variant Classification Sherloc (09022015). Collection method: clinical testing. Allele origin: germline.
Comment: This sequence change creates a premature translational stop signal (p.Lys706*) in the COL4A4 gene. It is expected to result in an absent or disrupted protein product. Loss-of-function variants in COL4A4 are known to be pathogenic (PMID: 21196518, 24854265, 25307543). This variant is not present in population databases (gnomAD no frequency). This variant has not been reported in the literature in individuals affected with COL4A4-related conditions. For these reasons, this variant has been classified as Pathogenic.

Literature cited by the submitters: PubMed 21196518 (cited by Labcorp Genetics (formerly Invitae), Labcorp); PubMed 24854265 (cited by Labcorp Genetics (formerly Invitae), Labcorp); PubMed 25307543 (cited by Labcorp Genetics (formerly Invitae), Labcorp).

NM_000092.5(COL4A4):c.2115dup (p.Lys706Ter)

Gene: COL4A4 (collagen type IV alpha 4 chain; minus strand). Cytogenetic location: 2q36.3.
Variant type: Duplication.
Coding change: c.2115dup on transcript NM_000092.5 (MANE Select); coding-DNA position 2115, one base duplicated (T; older notation c.2115dupT).
Protein change: p.Lys706Ter; replaces lysine 706 with a stop codon.
Molecular consequence: nonsense.
Genome position (GRCh38, 1-based): chr2:227,060,185, A duplicated on the plus strand (T on the coding strand, the reverse complement: COL4A4 is on the minus strand). VCF-style (leftmost placement, unchanged base first): chr2-227060184-T-TA. GRCh37 (hg19) VCF-style: chr2-227924900-T-TA.
Other names: short protein forms K706*.
Identifiers: ClinVar variation 3585852 (VCV003585852.3).